The following is an entry in ClinVar:

NM_000117.3(EMD):c.83G>A (p.Gly28Glu)

Gene: EMD (emerin; plus strand). Cytogenetic location: Xq28.
Variant type: single nucleotide variant.
Coding change: c.83G>A on transcript NM_000117.3 (MANE Select); coding-DNA position 83, G replaced by A.
Protein change: p.Gly28Glu; replaces glycine 28 with glutamic acid.
Molecular consequence: missense variant.
Genome position (GRCh38, 1-based): chrX:154,379,690, G>A. VCF-style: chrX-154379690-G-A. GRCh37 (hg19) VCF-style: chrX-153608050-G-A.
Other names: short protein forms G28E.
Identifiers: ClinVar variation 531735 (VCV000531735.5), dbSNP rs781978021, ClinGen allele CA415257262.

ClinVar aggregate classification (germline): Uncertain significance (1 of 4 stars; one submission).

Conditions:
X-linked Emery-Dreifuss muscular dystrophy. Also called: Muscular dystrophy, tardive Emery-Dreifuss type, with contractures. Identifiers: Orphanet 261, Orphanet 98863, MedGen C0751337, MONDO:0010680.

Submission:

Labcorp Genetics (formerly Invitae), Labcorp
Classification: Uncertain significance for X-linked Emery-Dreifuss muscular dystrophy. Last evaluated: 2021-08-27. Review status: criteria provided, single submitter. Criteria: Invitae Variant Classification Sherloc (09022015). Collection method: clinical testing. Allele origin: germline.
Comment: This sequence change replaces glycine with glutamic acid at codon 28 of the EMD protein (p.Gly28Glu). The glycine residue is highly conserved and there is a moderate physicochemical difference between glycine and glutamic acid. This variant is not present in population databases (ExAC no frequency). This variant has not been reported in the literature in individuals affected with EMD-related conditions. Algorithms developed to predict the effect of missense changes on protein structure and function are either unavailable or do not agree on the potential impact of this missense change (SIFT: "Deleterious"; PolyPhen-2: "Probably Damaging"; Align-GVGD: "Class C0"). Algorithms developed to predict the effect of sequence changes on RNA splicing suggest that this variant may disrupt the consensus splice site. In summary, the available evidence is currently insufficient to determine the role of this variant in disease. Therefore, it has been classified as a Variant of Uncertain Significance.